The following is an entry in ClinVar:

NM_173689.7(CRB2):c.2470G>A (p.Val824Ile)

Gene: CRB2 (crumbs cell polarity complex component 2; plus strand). Cytogenetic location: 9q33.3.
Variant type: single nucleotide variant.
Coding change: c.2470G>A on transcript NM_173689.7 (MANE Select); coding-DNA position 2470, G replaced by A.
Protein change: p.Val824Ile; replaces valine 824 with isoleucine.
Molecular consequence: missense variant. On other transcripts: non-coding transcript variant (1).
Genome position (GRCh38, 1-based): chr9:123,372,210, G>A. VCF-style: chr9-123372210-G-A. GRCh37 (hg19) VCF-style: chr9-126134489-G-A.
Other names: c.2470G>A (NM_173689.5); short protein forms V824I.
Identifiers: ClinVar variation 1339235 (VCV001339235.3), dbSNP rs779612230, ClinGen allele CA199637994.
Genomic context (GRCh38, chr9:123,372,210, plus strand): 5'-CCAACCCCTGCCCTGCCTCTCCCACAGCCTGACCCCTGTTTCAATGGTGGGACTTGCCTC[G>A]TCACCTGGAATGACTTCCACTGTACCTGCCCTGCCAATTTCACGGGGCCTACGTGTGCCC-3'
Protein context (NP_775960.4, residues 814-834): DPCFNGGTCL[Val824Ile]TWNDFHCTCP

ClinVar aggregate classification (germline): Uncertain significance. Review status: criteria provided, multiple submitters, no conflicts (2 of 4 stars). 2 submissions from 2 submitters: Uncertain significance (2). Last evaluated 2024-06-17.

Conditions:
Ventriculomegaly-cystic kidney disease. Also called: Ventriculomegaly with cystic kidney disease. Identifiers: Orphanet 443988, MedGen C1857423, MONDO:0009063, OMIM 219730.
Inborn genetic diseases. Identifiers: MedGen C0950123, MeSH D030342.

Allele frequency attached by ClinVar (database versions not stated): gnomAD 0.00001; TOPMed 0.00001.
gnomAD v4.1: 34 of 1,613,946 alleles (0.0021%); highest among the groups gnomAD compares: Non-Finnish European, 0.0026%; no homozygotes.

Submissions (2):

Ambry Genetics
Classification: Uncertain significance for Inborn genetic diseases. Last evaluated: 2024-06-17. Review status: criteria provided, single submitter. Criteria: Ambry Variant Classification Scheme 2023. Collection method: clinical testing. Allele origin: germline.

Neuberg Centre For Genomic Medicine, NCGM
Classification: Uncertain significance for Ventriculomegaly-cystic kidney disease. Review status: criteria provided, single submitter. Criteria: ACMG Guidelines, 2015. Collection method: clinical testing. Allele origin: germline. Affected: yes.
Comment: The missense variant p.V824I in CRB2 (NM_173689.7) has not been reported previously as a pathogenic variant nor as a benign variant, to our knowledge. The p.V824I variant is observed in 1/1,13,620 (0.0009%) alleles from individuals of European (Non-Finnish) background in gnomAD Exomes and is novel (not in any individuals) in 1000 Genomes. In silico tools predict the variant to be tolerated and the residue is weakly conserved across species. For these reasons, this variant has been classified as Uncertain Significance.